The following is an entry in ClinVar:

ClinVar aggregate classification (germline): Likely benign (1 of 4 stars; one submission).

Submission:

GeneDx
Classification: Likely benign. Last evaluated: 2025-10-02. Review status: criteria provided, single submitter. Criteria: GeneDx Variant Classification Process June 2021. Collection method: clinical testing. Allele origin: germline. Affected: yes.
Comment: See Variant Classification Assertion Criteria.

NM_007118.4(TRIO):c.8611A>C (p.Met2871Leu)

Gene: TRIO (trio Rho guanine nucleotide exchange factor; plus strand). Cytogenetic location: 5p15.2.
Variant type: single nucleotide variant.
Coding change: c.8611A>C on transcript NM_007118.4 (MANE Select); coding-DNA position 8611, A replaced by C.
Protein change: p.Met2871Leu; replaces methionine 2871 with leucine.
Molecular consequence: missense variant. On other transcripts: non-coding transcript variant (1).
Genome position (GRCh38, 1-based): chr5:14,504,592, A>C. VCF-style: chr5-14504592-A-C. GRCh37 (hg19) VCF-style: chr5-14504701-A-C.
Other names: short protein forms M2871L.
Identifiers: ClinVar variation 1338899 (VCV001338899.4), dbSNP rs2126709386, ClinGen allele CA359240311.